The following is an entry in ClinVar:

ClinVar aggregate classification (germline): Uncertain significance (1 of 4 stars; one submission).

Conditions:
DiGeorge syndrome. Also called: THIRD AND FOURTH PHARYNGEAL POUCH SYNDROME; Catch22. Identifiers: Orphanet 567, MedGen C0012236, MONDO:0008564, OMIM 188400.

Submission:

Labcorp Genetics (formerly Invitae), Labcorp
Classification: Uncertain significance for DiGeorge syndrome. Last evaluated: 2025-01-01. Review status: criteria provided, single submitter. Criteria: Invitae Variant Classification Sherloc (09022015). Collection method: clinical testing. Allele origin: germline.
Comment: This variant, c.140_145dup, results in the insertion of 2 amino acid(s) of the TBX1 protein (p.Pro47_Pro48dup), but otherwise preserves the integrity of the reading frame. The frequency data for this variant in the population databases is considered unreliable, as metrics indicate insufficient coverage at this position in the gnomAD database. This variant has not been reported in the literature in individuals affected with TBX1-related conditions. In summary, the available evidence is currently insufficient to determine the role of this variant in disease. Therefore, it has been classified as a Variant of Uncertain Significance.

NM_001379200.1(TBX1):c.158CGC[7] (p.Pro57_Arg58insProPro)

Gene: TBX1 (T-box transcription factor 1; plus strand). Cytogenetic location: 22q11.21.
Variant type: Microsatellite.
Coding change: c.158CGC[7] on transcript NM_001379200.1 (MANE Select); seven copies in a row of the 3-base unit CGC starting at c.158; the reference has five copies in a row; two copies, 6 bases duplicated.
Protein change: p.Pro57_Arg58insProPro.
Genome position (GRCh38, 1-based): chr22:19,761,010-19,761,015, CGCCGC duplicated; duplicating any 6 consecutive bases within chr22:19,761,000-19,761,015 gives the same sequence; the position shown is the placement nearest the transcript's 3' end. VCF-style (leftmost placement, unchanged base first): chr22-19760999-C-CCCGCCG. GRCh37 (hg19) VCF-style: chr22-19748522-C-CCCGCCG.
Other names: c.131CGC[7], p.Pro48_Arg49insProPro (NM_005992.1, NM_080646.2, NM_080647.1).
Identifiers: ClinVar variation 3658946 (VCV003658946.2).